The following is an entry in ClinVar:

ClinVar aggregate classification (germline): Uncertain significance. Review status: criteria provided, multiple submitters, no conflicts (2 of 4 stars). 2 submissions from 2 submitters: Uncertain significance (2). Last evaluated 2025-03-08.

Conditions:
Myopathy, centronuclear, 2 (CNM2). Also called: MYOTUBULAR MYOPATHY, AUTOSOMAL RECESSIVE. Identifiers: Orphanet 169186, MedGen CN031787, MONDO:0009709, OMIM 255200.
Inborn genetic diseases. Identifiers: MedGen C0950123, MeSH D030342.

Allele frequency attached by ClinVar (database versions not stated): gnomAD exomes 0.00001 and 0.00005; TOPMed 0.00004; gnomAD 0.00001.
gnomAD v4.1: 22 of 1,551,568 alleles (0.0014%); highest among the groups gnomAD compares: Admixed American, 0.02%; no homozygotes.

Submissions (2):

Ambry Genetics
Classification: Uncertain significance for Inborn genetic diseases. Last evaluated: 2025-03-08. Review status: criteria provided, single submitter. Criteria: Ambry Variant Classification Scheme 2023. Collection method: clinical testing. Allele origin: germline.

Labcorp Genetics (formerly Invitae), Labcorp
Classification: Uncertain significance for Myopathy, centronuclear, 2. Last evaluated: 2024-10-29. Review status: criteria provided, single submitter. Criteria: Invitae Variant Classification Sherloc (09022015). Collection method: clinical testing. Allele origin: germline.
Comment: This sequence change replaces proline, which is neutral and non-polar, with threonine, which is neutral and polar, at codon 400 of the BIN1 protein (p.Pro400Thr). This variant is present in population databases (rs769252326, gnomAD 0.03%). This variant has not been reported in the literature in individuals affected with BIN1-related conditions. ClinVar contains an entry for this variant (Variation ID: 1521141). An algorithm developed to predict the effect of missense changes on protein structure and function (PolyPhen-2) suggests that this variant is likely to be tolerated. In summary, the available evidence is currently insufficient to determine the role of this variant in disease. Therefore, it has been classified as a Variant of Uncertain Significance.

NM_139343.3(BIN1):c.1198C>A (p.Pro400Thr)

Gene: BIN1 (bridging integrator 1; minus strand). Cytogenetic location: 2q14.3.
Variant type: single nucleotide variant.
Coding change: c.1198C>A on transcript NM_139343.3 (MANE Select); coding-DNA position 1198, C replaced by A.
Protein change: p.Pro400Thr; replaces proline 400 with threonine.
Molecular consequence: missense variant. On other transcripts: intron variant (12).
Genome position (GRCh38, 1-based): chr2:127,053,946, G>T on the plus strand (C>A on the coding strand, the complement: BIN1 is on the minus strand). VCF-style: chr2-127053946-G-T. GRCh37 (hg19) VCF-style: chr2-127811522-G-T.
Other names: c.1198C>A (NM_139343.2); c.1105C>A, p.Pro369Thr (NM_001320641.2); c.1117C>A, p.Pro373Thr (NM_001320642.1); c.1069C>A, p.Pro357Thr (NM_139344.3); c.838-3034C>A (NM_001320634.1); c.910-3034C>A (NM_139351.3); c.910-2703C>A (NM_139350.3); c.910-1584C>A (NM_139349.3); and 8 more; short protein forms P357T, P369T, P373T, P400T.
Identifiers: ClinVar variation 1521141 (VCV001521141.7), dbSNP rs769252326, ClinGen allele CA1857164.